The following is an entry in ClinVar:

NM_001080517.3(SETD5):c.545C>T (p.Ala182Val)

Gene: SETD5 (SET domain containing 5; plus strand). Cytogenetic location: 3p25.3.
Variant type: single nucleotide variant.
Coding change: c.545C>T on transcript NM_001080517.3 (MANE Select); coding-DNA position 545, C replaced by T.
Protein change: p.Ala182Val; replaces alanine 182 with valine.
Molecular consequence: missense variant.
Genome position (GRCh38, 1-based): chr3:9,435,884, C>T. VCF-style: chr3-9435884-C-T. GRCh37 (hg19) VCF-style: chr3-9477568-C-T.
Other names: c.212C>T, p.Ala71Val (NM_001292043.2, NM_001349451.2); short protein forms A182V, A71V.
Identifiers: ClinVar variation 2701744 (VCV002701744.3), dbSNP rs2472493517, ClinGen allele CA351684566.
Genomic context (GRCh38, chr3:9,435,884, plus strand): 5'-TAACTGTTAGAAGAACCAAACCCAAGAAGCGGAAAAAGAGTCCAGAAAAGGGTCGTGCAG[C>T]ACCAAAGACGAAGAAAATCAAGGTATGCAGGGTAAAAATATCTTAAATAGAAATTGTCTG-3'
Protein context (NP_001073986.1, residues 172-192): RKKSPEKGRA[Ala182Val]PKTKKIKNSP

ClinVar aggregate classification (germline): Uncertain significance (1 of 4 stars; one submission).

Submission:

Labcorp Genetics (formerly Invitae), Labcorp
Classification: Uncertain significance. Last evaluated: 2023-12-28. Review status: criteria provided, single submitter. Criteria: Invitae Variant Classification Sherloc (09022015). Collection method: clinical testing. Allele origin: germline.
Comment: This sequence change replaces alanine, which is neutral and non-polar, with valine, which is neutral and non-polar, at codon 182 of the SETD5 protein (p.Ala182Val). This variant is not present in population databases (gnomAD no frequency). This variant has not been reported in the literature in individuals affected with SETD5-related conditions. Advanced modeling of protein sequence and biophysical properties (such as structural, functional, and spatial information, amino acid conservation, physicochemical variation, residue mobility, and thermodynamic stability) performed at Invitae indicates that this missense variant is not expected to disrupt SETD5 protein function with a negative predictive value of 80%. In summary, the available evidence is currently insufficient to determine the role of this variant in disease. Therefore, it has been classified as a Variant of Uncertain Significance.